The following is an entry in ClinVar:

ClinVar aggregate classification (germline): Conflicting classifications of pathogenicity. Review status: criteria provided, conflicting classifications (1 of 4 stars). 6 submissions from 6 submitters: Uncertain significance (5); Likely benign (1). Last evaluated 2025-09-30.

Conditions:
Hereditary cancer-predisposing syndrome. Also called: Tumor predisposition; Hereditary Cancer Syndrome; Neoplastic Syndromes, Hereditary; Hereditary neoplastic syndrome. Identifiers: Orphanet 140162, MedGen C0027672, MeSH D009386, MONDO:0015356.
Hereditary breast ovarian cancer syndrome. Also called: Hereditary breast and ovarian cancer; Hereditary breast and ovarian cancer syndrome (HBOC); Hereditary breast and ovarian cancer syndrome; BRCA1- and BRCA2-Associated Hereditary Breast and Ovarian Cancer; Hereditary breast and/or ovarian cancer syndrome; Breast and ovarian cancer. Identifiers: Orphanet 145, MedGen C0677776, MeSH D061325, MONDO:0003582. Disease mechanism: loss of function.

Submissions (6):

Color Diagnostics, LLC DBA Color Health
Classification: Uncertain significance for Hereditary cancer-predisposing syndrome. Last evaluated: 2025-09-30. Review status: criteria provided, single submitter. Criteria: ACMG Guidelines, 2015. Collection method: clinical testing. Allele origin: germline.
Comment: This missense variant replaces histidine with proline at codon 1511 of the BRCA1 protein. Computational prediction is inconclusive regarding the impact of this variant on protein structure and function. To our knowledge, functional studies have not been reported for this variant. This variant has not been reported in individuals affected with BRCA1-related disorders in the literature. This variant has not been identified in the general population by the Genome Aggregation Database (gnomAD). The available evidence is insufficient to determine the role of this variant in disease conclusively. Therefore, this variant is classified as a Variant of Uncertain Significance.

Molecular Diagnostics Laboratory, Catalan Institute of Oncology
Classification: Likely benign for Hereditary cancer-predisposing syndrome. Last evaluated: 2025-07-07. Review status: criteria provided, single submitter. Criteria: ClinGen BRCA1BRCA2 ACMG Specifications BRCA1 V1.0.0. Collection method: clinical testing. Allele origin: germline.
Comment: PM2_Supporting, BP1_Strong c.4532A>C, located in exon 14 (15 according to BIC nomenclature) of the BRCA1 gene, is predicted to result in the substitution of histidine with proline at codon 1511, p.(His1511Pro). This position is outside a (potentially) clinically important functional domain and the SpliceAI algorithm predicts no significant impact on splicing (BP1_strong). It is not present in the population database gnomAD v2.1.1, non cancer dataset (PM2_Supporting). To our knowledge, neither relevant clinical data nor well-established functional studies have been reported for this variant. It has been reported in the ClinVar database (4x uncertain significance) and BRCA Exchange database (not yet reviewed), but not in the LOVD database. Based on the currently available information, c.4532A>C is classified as a likely benign variant according to ClinGen-BRCA1 Guidelines v.1.0.0.

Center for Genomic Medicine, Rigshospitalet, Copenhagen University Hospital
Classification: Uncertain significance. Last evaluated: 2025-03-04. Review status: criteria provided, single submitter. Criteria: ACMG Guidelines, 2015. Collection method: clinical testing. Allele origin: germline.

Blueprint Genetics
Classification: Uncertain significance. Last evaluated: 2024-11-13. Review status: criteria provided, single submitter. Criteria: ACMG Guidelines, 2015. Collection method: clinical testing. Allele origin: germline.

Labcorp Genetics (formerly Invitae), Labcorp
Classification: Uncertain significance for Hereditary breast ovarian cancer syndrome. Last evaluated: 2024-08-19. Review status: criteria provided, single submitter. Criteria: Invitae Variant Classification Sherloc (09022015). Collection method: clinical testing. Allele origin: germline.
Comment: This sequence change replaces histidine, which is basic and polar, with proline, which is neutral and non-polar, at codon 1511 of the BRCA1 protein (p.His1511Pro). This variant is not present in population databases (gnomAD no frequency). This variant has not been reported in the literature in individuals affected with BRCA1-related conditions. ClinVar contains an entry for this variant (Variation ID: 479208). Invitae Evidence Modeling of protein sequence and biophysical properties (such as structural, functional, and spatial information, amino acid conservation, physicochemical variation, residue mobility, and thermodynamic stability) indicates that this missense variant is not expected to disrupt BRCA1 protein function with a negative predictive value of 95%. In summary, the available evidence is currently insufficient to determine the role of this variant in disease. Therefore, it has been classified as a Variant of Uncertain Significance.

Ambry Genetics
Classification: Uncertain significance for Hereditary cancer-predisposing syndrome. Last evaluated: 2024-05-04. Review status: criteria provided, single submitter. Criteria: Ambry Variant Classification Scheme 2023. Collection method: clinical testing. Allele origin: germline.
Comment: The p.H1511P variant (also known as c.4532A>C), located in coding exon 13 of the BRCA1 gene, results from an A to C substitution at nucleotide position 4532. The histidine at codon 1511 is replaced by proline, an amino acid with similar properties. This amino acid position is well conserved in available vertebrate species. In addition, the in silico prediction for this alteration is inconclusive. Since supporting evidence is limited at this time, the clinical significance of this alteration remains unclear.

NM_007294.4(BRCA1):c.4532A>C (p.His1511Pro)

Gene: BRCA1 (BRCA1 DNA repair associated; minus strand). Cytogenetic location: 17q21.31.
Variant type: single nucleotide variant.
Coding change: c.4532A>C on transcript NM_007294.4 (MANE Select); coding-DNA position 4532, A replaced by C.
Protein change: p.His1511Pro; replaces histidine 1511 with proline.
Molecular consequence: missense variant. On other transcripts: non-coding transcript variant (1).
Genome position (GRCh38, 1-based): chr17:43,074,474, T>G on the plus strand (A>C on the coding strand, the complement: BRCA1 is on the minus strand). VCF-style: chr17-43074474-T-G. GRCh37 (hg19) VCF-style: chr17-41226491-T-G.
Other names: c.1103A>C, p.His368Pro (NM_001408423.1, NM_001408424.1, NM_001408421.1 and 1 more transcripts); c.1100A>C, p.His367Pro (NM_001408425.1, NM_001408426.1, NM_001408427.1 and 4 more transcripts); c.1097A>C, p.His366Pro (NM_001408432.1, NM_001408433.1, NM_001408434.1 and 10 more transcripts); c.1094A>C, p.His365Pro (NM_001408445.1, NM_001408446.1, NM_001408447.1 and 2 more transcripts); c.1088A>C, p.His363Pro (NM_001408451.1); c.1082A>C, p.His361Pro (NM_001408452.1, NM_001408453.1, NM_001408454.1 and 3 more transcripts); c.1079A>C, p.His360Pro (NM_001408458.1, NM_001408459.1, NM_001408460.1 and 7 more transcripts); c.1076A>C, p.His359Pro (NM_001408468.1, NM_001408469.1, NM_001408470.1); and 68 more; short protein forms H1511P, H1464P, H407P, H1532P, H1400P, H1421P, H1423P, H1444P.
Identifiers: ClinVar variation 479208 (VCV000479208.22), dbSNP rs1555582004, ClinGen allele CA10592455.
Genomic context (GRCh38, chr17:43,074,474, plus strand): 5'-ACCTTAATGAGCTCCTCTTGAGATGGGTAGTTTCTATTCTGAAGACTCCCAGAGCAACTG[T>G]GCATGTACCACCTATCATCTAATGATGGGCATTTAGAAGGGGATGACCTAGAAAGATAAA-3'
Protein context (NP_009225.1, residues 1501-1521): CPSLDDRWYM[His1511Pro]SCSGSLQNRN